The following is an entry in ClinVar:

ClinVar aggregate classification (germline): Likely pathogenic (1 of 4 stars; one submission).

Conditions:
Pontocerebellar hypoplasia, type 1D. Identifiers: MedGen C4748058, MONDO:0054844, OMIM 618065.

Submission:

3billion
Classification: Likely pathogenic for Pontocerebellar hypoplasia, type 1D. Last evaluated: 2025-08-28. Review status: criteria provided, single submitter. Criteria: ACMG Guidelines, 2015. Collection method: clinical testing. Allele origin: germline. Affected: yes.
Comment: The variant is observed at an extremely low frequency in the gnomAD v4.1.0 dataset (total allele frequency: <0.001%). Predicted Consequence/Location: Frameshift: predicted to result in a loss or disruption of normal protein function through nonsense-mediated decay (NMD) or protein truncation. Multiple pathogenic variants are reported downstream of the variant. Therefore, this variant is classified as Likely pathogenic according to the recommendation of ACMG/AMP guideline.

NM_005033.3(EXOSC9):c.226del (p.Leu76fs)

Gene: EXOSC9 (exosome component 9; plus strand). Cytogenetic location: 4q27.
Variant type: Deletion.
Coding change: c.226del on transcript NM_005033.3 (MANE Select); coding-DNA position 226, one base deleted (C; older notation c.226delC).
Protein change: p.Leu76fs; shifts the reading frame from leucine 76.
Molecular consequence: frameshift variant.
Genome position (GRCh38, 1-based): chr4:121,802,738, C deleted. VCF-style (leftmost placement, unchanged base first): chr4-121802737-TC-T. GRCh37 (hg19) VCF-style: chr4-122723892-TC-T.
Other names: c.226del, p.Leu76fs (NM_001034194.2); short protein forms L76fs.
Identifiers: ClinVar variation 4855371 (VCV004855371.1).
Genomic context (GRCh38, chr4:121,802,737, plus strand): 5'-TCTTGGACAGGTTTCCTGTGAACTTGTGTCTCCAAAACTCAATCGGGCAACAGAAGGTAT[TC>T]TTTTTTTTAACCTTGAACTCTCTCAGATGGCCGCTCCAGCTTTCGAACCTGGCAGGTATT-3'